The following is an entry in ClinVar:

NM_001122955.4(BSCL2):c.902T>C (p.Ile301Thr)

Genes: BSCL2 (BSCL2 lipid droplet biogenesis associated, seipin; minus strand), HNRNPUL2-BSCL2 (HNRNPUL2-BSCL2 readthrough (NMD candidate); minus strand). Cytogenetic location: 11q12.3.
Variant type: single nucleotide variant.
Coding change: c.902T>C on transcript NM_001122955.4 (MANE Select); coding-DNA position 902, T replaced by C.
Protein change: p.Ile301Thr; replaces isoleucine 301 with threonine.
Molecular consequence: missense variant. On other transcripts: non-coding transcript variant (1), intron variant (1).
Genome position (GRCh38, 1-based): chr11:62,691,383, A>G on the plus strand (T>C on the coding strand, the complement: BSCL2 is on the minus strand). VCF-style: chr11-62691383-A-G. GRCh37 (hg19) VCF-style: chr11-62458855-A-G.
Other names: c.902T>C, p.Ile301Thr (NM_001386027.1, NM_001386028.1); c.710T>C, p.Ile237Thr (NM_032667.6); c.672-242T>C (NM_001130702.2); short protein forms I301T, I237T.
Identifiers: ClinVar variation 1465475 (VCV001465475.6), dbSNP rs776986432, ClinGen allele CA6053411.

ClinVar aggregate classification (germline): Uncertain significance (1 of 4 stars; one submission).

Conditions:
Charcot-Marie-Tooth disease type 2. Also called: Charcot-Marie-Tooth type 2. Identifiers: Orphanet 64746, MedGen C0270914, MONDO:0018993.

Allele frequency attached by ClinVar (database versions not stated): gnomAD exomes below 0.00001; ExAC 0.00001; gnomAD 0.00001; TOPMed 0.00001.
gnomAD v4.1: 3 of 1,614,072 alleles (0.00019%); highest among the groups gnomAD compares: African/African-American, 0.0027%; no homozygotes.

Submission:

Labcorp Genetics (formerly Invitae), Labcorp
Classification: Uncertain significance for Charcot-Marie-Tooth disease type 2. Last evaluated: 2021-10-24. Review status: criteria provided, single submitter. Criteria: Invitae Variant Classification Sherloc (09022015). Collection method: clinical testing. Allele origin: germline.
Comment: In summary, the available evidence is currently insufficient to determine the role of this variant in disease. Therefore, it has been classified as a Variant of Uncertain Significance. Algorithms developed to predict the effect of missense changes on protein structure and function are either unavailable or do not agree on the potential impact of this missense change (SIFT: "Deleterious"; PolyPhen-2: "Benign"; Align-GVGD: "Class C0"). This variant has not been reported in the literature in individuals affected with BSCL2-related conditions. This variant is present in population databases (rs776986432, gnomAD 0.007%). This sequence change replaces isoleucine, which is neutral and non-polar, with threonine, which is neutral and polar, at codon 237 of the BSCL2 protein (p.Ile237Thr).